The following is an entry in ClinVar:

NM_001367823.1(ARHGEF18):c.3335A>G (p.Gln1112Arg)

Gene: ARHGEF18 (Rho/Rac guanine nucleotide exchange factor 18; plus strand). Cytogenetic location: 19p13.2.
Variant type: single nucleotide variant.
Coding change: c.3335A>G on transcript NM_001367823.1 (MANE Select); coding-DNA position 3335, A replaced by G.
Protein change: p.Gln1112Arg; replaces glutamine 1112 with arginine.
Molecular consequence: missense variant.
Genome position (GRCh38, 1-based): chr19:7,467,539, A>G. VCF-style: chr19-7467539-A-G. GRCh37 (hg19) VCF-style: chr19-7532425-A-G.
Other names: c.2609A>G, p.Gln870Arg (NM_001130955.2); c.2297A>G, p.Gln766Arg (NM_001367824.1, NM_015318.4); short protein forms Q1112R, Q766R, Q870R.
Identifiers: ClinVar variation 1357592 (VCV001357592.6), dbSNP rs1243204404, ClinGen allele CA403088969.
Genomic context (GRCh38, chr19:7,467,539, plus strand): 5'-AGGGCGAGGCGCGGCAGCTACGCGAGCGGCTGGAGCAGGAGCGGGCCGAGCTGGAGCGCC[A>G]GCGCCAGGCCTACCAGCACGACCTGGAGCGGCTGCGCGAGGCCCAGCGTGCCGTGGAGCG-3'
Protein context (NP_001354752.1, residues 1102-1122): LEQERAELER[Gln1112Arg]RQAYQHDLER

ClinVar aggregate classification (germline): Uncertain significance (1 of 4 stars; one submission).

Allele frequency attached by ClinVar (database versions not stated): TOPMed below 0.00001; gnomAD 0.00001; gnomAD exomes 0.00001.
gnomAD v4.1: 17 of 1,449,776 alleles (0.0012%); highest among the groups gnomAD compares: African/African-American, 0.0015%; no homozygotes.

Submission:

Labcorp Genetics (formerly Invitae), Labcorp
Classification: Uncertain significance. Last evaluated: 2021-10-22. Review status: criteria provided, single submitter. Criteria: Invitae Variant Classification Sherloc (09022015). Collection method: clinical testing. Allele origin: germline.
Comment: This sequence change replaces glutamine with arginine at codon 924 of the ARHGEF18 protein (p.Gln924Arg). The glutamine residue is highly conserved and there is a small physicochemical difference between glutamine and arginine. The frequency data for this variant in the population databases is considered unreliable, as metrics indicate insufficient coverage at this position in the ExAC database. This variant has not been reported in the literature in individuals affected with ARHGEF18-related conditions. Algorithms developed to predict the effect of missense changes on protein structure and function are either unavailable or do not agree on the potential impact of this missense change (SIFT: "Deleterious"; PolyPhen-2: "Benign"; Align-GVGD: "Class C0"). In summary, the available evidence is currently insufficient to determine the role of this variant in disease. Therefore, it has been classified as a Variant of Uncertain Significance.